The following is an entry in ClinVar:

ClinVar aggregate classification (germline): Benign. Review status: criteria provided, multiple submitters, no conflicts (2 of 4 stars). 2 submissions from 2 submitters: Benign (2). Last evaluated 2018-06-16.

Allele frequency attached by ClinVar (database versions not stated): gnomAD 0.09121 and 0.09765; 1000 Genomes Project 0.10144; TOPMed 0.10368; 1000 Genomes Project 30x 0.10993.
gnomAD v4.1: 19,522 of 689,206 alleles (2.8%); highest among the groups gnomAD compares: African/African-American, 31%; 2,902 homozygotes.

Submissions (2):

GeneDx
Classification: Benign. Last evaluated: 2018-06-16. Review status: criteria provided, single submitter. Criteria: GeneDx Variant Classification (06012015). Collection method: clinical testing. Allele origin: germline. Affected: yes.
Comment: This variant is considered likely benign or benign based on one or more of the following criteria: it is a conservative change, it occurs at a poorly conserved position in the protein, it is predicted to be benign by multiple in silico algorithms, and/or has population frequency not consistent with disease.

Breakthrough Genomics
Classification: Benign. Review status: criteria provided, single submitter. Criteria: ACMG Guidelines, 2015. Collection method: not provided. Allele origin: germline. Inheritance: Autosomal recessive inheritance. Affected: yes.

NM_001184.4(ATR):c.7762-174A>G

Gene: ATR (ATR checkpoint kinase; minus strand). Cytogenetic location: 3q23.
Variant type: single nucleotide variant.
Coding change: c.7762-174A>G on transcript NM_001184.4 (MANE Select); 174 bases into the intron before coding-DNA position 7762, A replaced by G.
Molecular consequence: intron variant.
Genome position (GRCh38, 1-based): chr3:142,449,776, T>C on the plus strand (A>G on the coding strand, the complement: ATR is on the minus strand). VCF-style: chr3-142449776-T-C. GRCh37 (hg19) VCF-style: chr3-142168618-T-C.
Other names: c.7570-174A>G (NM_001354579.2).
Identifiers: ClinVar variation 678217 (VCV000678217.2), dbSNP rs7652760, ClinGen allele CA11575532.